The following is an entry in ClinVar:

NM_001394372.1(BICRA):c.3325G>A (p.Asp1109Asn)

Gene: BICRA (BRD4 interacting chromatin remodeling complex associated protein; plus strand). Cytogenetic location: 19q13.33.
Variant type: single nucleotide variant.
Coding change: c.3325G>A on transcript NM_001394372.1 (MANE Select); coding-DNA position 3325, G replaced by A.
Protein change: p.Asp1109Asn; replaces aspartic acid 1109 with asparagine.
Molecular consequence: missense variant.
Genome position (GRCh38, 1-based): chr19:47,698,710, G>A. VCF-style: chr19-47698710-G-A. GRCh37 (hg19) VCF-style: chr19-48201967-G-A.
Other names: c.3325G>A, p.Asp1109Asn (NM_015711.3); short protein forms D1109N.
Identifiers: ClinVar variation 2650181 (VCV002650181.27), dbSNP rs199973579, ClinGen allele CA9542200.
Genomic context (GRCh38, chr19:47,698,710, plus strand): 5'-CACAAACACCAGGGCTCCGTCCTGCACCCCGACTACAAGACGGCCTTCCCCTCCTTTGAG[G>A]ACGCCCTGCATCGCCTCCTGCCCTACCATGTCTACCAGGGCGCCCTCCCCTCCCCCAGTG-3'
Protein context (NP_001381301.1, residues 1099-1119): DYKTAFPSFE[Asp1109Asn]ALHRLLPYHV

ClinVar aggregate classification (germline): Conflicting classifications of pathogenicity. Review status: criteria provided, conflicting classifications (1 of 4 stars). 4 submissions from 4 submitters: Uncertain significance (1); Benign (1); Likely benign (1). 1 of the submissions does not count toward it. Last evaluated 2026-05-01.

Conditions:
BICRA-related disorder. Also called: BICRA-related condition.

Allele frequency attached by ClinVar (database versions not stated): 1000 Genomes Project 30x 0.00016; 1000 Genomes Project 0.00020; gnomAD 0.00237; TOPMed 0.00250; ESP Exome Variant Server 0.00251; ExAC 0.00307; gnomAD exomes 0.00368.
gnomAD v4.1: 5,696 of 1,605,368 alleles (0.35%); highest among the groups gnomAD compares: Non-Finnish European, 0.4%; 16 homozygotes.

Submissions (4):

CeGaT Center for Human Genetics Tuebingen
Classification: Benign. Last evaluated: 2026-05-01. Review status: criteria provided, single submitter. Criteria: CeGaT Center For Human Genetics Tuebingen Variant Classification Criteria Version 2. Collection method: clinical testing. Allele origin: germline. Affected: yes. Observed: 13 variant alleles.
Comment: BICRA: BS1, BS2

Blueprint Genetics
Classification: Likely benign. Last evaluated: 2024-11-17. Review status: criteria provided, single submitter. Criteria: ACMG Guidelines, 2015. Collection method: clinical testing. Allele origin: germline.

Ambry Genetics
Classification: Uncertain significance. Last evaluated: 2024-06-16. Review status: criteria provided, single submitter. Criteria: Ambry Variant Classification Scheme 2023. Collection method: clinical testing. Allele origin: germline.

PreventionGenetics, part of Exact Sciences
Classification: Likely benign for BICRA-related condition. Last evaluated: 2022-04-27. Review status: no assertion criteria provided. Collection method: clinical testing. Allele origin: germline. Not counted in ClinVar's aggregate classification.
Comment: This variant is classified as likely benign based on ACMG/AMP sequence variant interpretation guidelines (Richards et al. 2015 PMID: 25741868, with internal and published modifications).